The following is an entry in ClinVar:

ClinVar aggregate classification (germline): Uncertain significance (1 of 4 stars; one submission).

Conditions:
Catecholaminergic polymorphic ventricular tachycardia 1. Also called: VENTRICULAR TACHYCARDIA, CATECHOLAMINERGIC POLYMORPHIC, 1, WITH OR WITHOUT ATRIAL DYSFUNCTION AND/OR DILATED CARDIOMYOPATHY; RYR2-Related Catecholaminergic Polymorphic Ventricular Tachycardia; VENTRICULAR TACHYCARDIA, STRESS-INDUCED POLYMORPHIC 1. Identifiers: Orphanet 3286, MedGen C1631597, MONDO:0011484, OMIM 604772.

Submission:

Labcorp Genetics (formerly Invitae), Labcorp
Classification: Uncertain significance for Catecholaminergic polymorphic ventricular tachycardia 1. Last evaluated: 2024-06-30. Review status: criteria provided, single submitter. Criteria: Invitae Variant Classification Sherloc (09022015). Collection method: clinical testing. Allele origin: germline.
Comment: This sequence change replaces threonine, which is neutral and polar, with proline, which is neutral and non-polar, at codon 3091 of the RYR2 protein (p.Thr3091Pro). This variant is not present in population databases (gnomAD no frequency). This variant has not been reported in the literature in individuals affected with RYR2-related conditions. Advanced modeling of protein sequence and biophysical properties (such as structural, functional, and spatial information, amino acid conservation, physicochemical variation, residue mobility, and thermodynamic stability) performed at Invitae indicates that this missense variant is not expected to disrupt RYR2 protein function with a negative predictive value of 95%. In summary, the available evidence is currently insufficient to determine the role of this variant in disease. Therefore, it has been classified as a Variant of Uncertain Significance.

NM_001035.3(RYR2):c.9271A>C (p.Thr3091Pro)

Gene: RYR2 (ryanodine receptor 2; plus strand). Cytogenetic location: 1q43.
Variant type: single nucleotide variant.
Coding change: c.9271A>C on transcript NM_001035.3 (MANE Select); coding-DNA position 9271, A replaced by C.
Protein change: p.Thr3091Pro; replaces threonine 3091 with proline.
Molecular consequence: missense variant.
Genome position (GRCh38, 1-based): chr1:237,700,371, A>C. VCF-style: chr1-237700371-A-C. GRCh37 (hg19) VCF-style: chr1-237863671-A-C.
Other names: short protein forms T3091P.
Identifiers: ClinVar variation 3633816 (VCV003633816.2).